The following is an entry in ClinVar:

ClinVar aggregate classification (germline): Likely benign (1 of 4 stars; one submission).

Allele frequency attached by ClinVar (database versions not stated): gnomAD 0.00028; 1000 Genomes Project 0.00100; 1000 Genomes Project 30x 0.00109.

Submission:

CeGaT Center for Human Genetics Tuebingen
Classification: Likely benign. Last evaluated: 2023-01-01. Review status: criteria provided, single submitter. Criteria: CeGaT Center For Human Genetics Tuebingen Variant Classification Criteria Version 2. Collection method: clinical testing. Allele origin: germline. Affected: yes. Observed: 1 variant allele.
Comment: AADAC: BP4, BP7

NM_001086.3(AADAC):c.15G>A (p.Ser5=)

Genes: AADAC (arylacetamide deacetylase; plus strand), AADACL2-AS1 (AADACL2 antisense RNA 1; minus strand). Cytogenetic location: 3q25.1.
Variant type: single nucleotide variant.
Coding change: c.15G>A on transcript NM_001086.3 (MANE Select); coding-DNA position 15, G replaced by A.
Protein change: p.Ser5=; no amino-acid change (serine 5 retained).
Molecular consequence: synonymous variant.
Genome position (GRCh38, 1-based): chr3:151,814,177, G>A. VCF-style: chr3-151814177-G-A. GRCh37 (hg19) VCF-style: chr3-151531965-G-A.
Identifiers: ClinVar variation 2654242 (VCV002654242.24), dbSNP rs552581419, ClinGen allele CA2671283.